The following is an entry in ClinVar:

NM_138713.4(NFAT5):c.3176A>G (p.Gln1059Arg)

Gene: NFAT5 (nuclear factor of activated T cells 5; plus strand). Cytogenetic location: 16q22.1.
Variant type: single nucleotide variant.
Coding change: c.3176A>G on transcript NM_138713.4 (MANE Select); coding-DNA position 3176, A replaced by G.
Protein change: p.Gln1059Arg; replaces glutamine 1059 with arginine.
Molecular consequence: missense variant.
Genome position (GRCh38, 1-based): chr16:69,693,001, A>G. VCF-style: chr16-69693001-A-G. GRCh37 (hg19) VCF-style: chr16-69726904-A-G.
Other names: c.2894A>G, p.Gln965Arg (NM_173215.3, NM_138714.4, NM_173214.3); c.3173A>G, p.Gln1058Arg (NM_001113178.3); c.2501A>G, p.Gln834Arg (NM_001367709.1); c.3122A>G, p.Gln1041Arg (NM_006599.4); short protein forms Q1041R, Q1058R, Q1059R, Q834R, Q965R.
Identifiers: ClinVar variation 2631368 (VCV002631368.4), dbSNP rs761664426, ClinGen allele CA8135860.

ClinVar aggregate classification (germline): Uncertain significance. Review status: criteria provided, multiple submitters, no conflicts (2 of 4 stars). 2 submissions from 2 submitters: Uncertain significance (2). Last evaluated 2024-12-24.

Conditions:
NFAT5-related disorder. Also called: NFAT5-related condition.
Immunodeficiency. Identifiers: MedGen C0021051, MONDO:0021094, HP:0002721.

Allele frequency attached by ClinVar (database versions not stated): gnomAD exomes below 0.00001; ExAC 0.00002.
gnomAD v4.1: 2 of 1,614,106 alleles (0.00012%); highest among the groups gnomAD compares: Admixed American, 0.0033%; no homozygotes.

Submissions (2):

Labcorp Genetics (formerly Invitae), Labcorp
Classification: Uncertain significance for Immunodeficiency. Last evaluated: 2024-12-24. Review status: criteria provided, single submitter. Criteria: Invitae Variant Classification Sherloc (09022015). Collection method: clinical testing. Allele origin: germline.
Comment: This sequence change replaces glutamine, which is neutral and polar, with arginine, which is basic and polar, at codon 965 of the NFAT5 protein (p.Gln965Arg). This variant is present in population databases (rs761664426, gnomAD 0.006%). This variant has not been reported in the literature in individuals affected with NFAT5-related conditions. ClinVar contains an entry for this variant (Variation ID: 2631368). An algorithm developed to predict the effect of missense changes on protein structure and function (PolyPhen-2) suggests that this variant is likely to be disruptive. In summary, the available evidence is currently insufficient to determine the role of this variant in disease. Therefore, it has been classified as a Variant of Uncertain Significance.

PreventionGenetics, part of Exact Sciences
Classification: Uncertain significance for NFAT5-related condition. Last evaluated: 2023-07-12. Review status: criteria provided, single submitter. Criteria: ACMG Guidelines, 2015. Collection method: clinical testing. Allele origin: germline.
Comment: The NFAT5 c.2894A>G variant is predicted to result in the amino acid substitution p.Gln965Arg. To our knowledge, this variant has not been reported in the literature. This variant is reported in 0.0058% of alleles in individuals of Latino descent in gnomAD. At this time, the clinical significance of this variant is uncertain due to the absence of conclusive functional and genetic evidence.